The following is an entry in ClinVar:

NM_183235.3(RAB27A):c.240-9T>G

Gene: RAB27A (RAB27A, member RAS oncogene family; minus strand). Cytogenetic location: 15q21.3.
Variant type: single nucleotide variant.
Coding change: c.240-9T>G on transcript NM_183235.3 (MANE Select); 9 bases into the intron before coding-DNA position 240, T replaced by G.
Molecular consequence: intron variant.
Genome position (GRCh38, 1-based): chr15:55,228,721, A>C on the plus strand (T>G on the coding strand, the complement: RAB27A is on the minus strand). VCF-style: chr15-55228721-A-C. GRCh37 (hg19) VCF-style: chr15-55520919-A-C.
Other names: c.240-9T>G (NM_001438970.1, NM_001438977.1, NM_001438975.1 and 11 more transcripts).
Identifiers: ClinVar variation 3731470 (VCV003731470.1).

ClinVar aggregate classification (germline): Uncertain significance (1 of 4 stars; one submission).

Conditions:
Griscelli syndrome type 2 (GS2). Also called: GRISCELLI SYNDROME WITH HEMOPHAGOCYTIC SYNDROME; PAID SYNDROME; PARTIAL ALBINISM AND IMMUNODEFICIENCY SYNDROME. Identifiers: Orphanet 381, Orphanet 79477, MedGen C1868679, MONDO:0011872, OMIM 607624.

Submission:

Neuberg Centre For Genomic Medicine, NCGM
Classification: Uncertain significance for Griscelli syndrome type 2. Last evaluated: 2023-06-22. Review status: criteria provided, single submitter. Criteria: ACMG Guidelines, 2015. Collection method: clinical testing. Allele origin: germline. Inheritance: Autosomal recessive inheritance. Affected: yes.
Comment: The intron c.240-9T>G variant in RAB27A gene has not been reported previously as a pathogenic variant nor as a benign variant, to our knowledge. The c.240-9T>G variant is absent in gnomAD Exomes. This variant has not been reported to the ClinVar database. SpliceAI predicts this variant to cause splice acceptor loss (0.96) and splice acceptor gain (0.55). Additional functional studies will be required to prove the pathogenicity of this variant. For these reasons, this variant has been classified as a Variant of Uncertain Significance (VUS). In absence of another reportable variant in RAB27A gene, the molecular diagnosis is not confirmed.